The following is an entry in ClinVar:

ClinVar aggregate classification (germline): Uncertain significance (1 of 4 stars; one submission).

Conditions:
Macrothrombocytopenia and granulocyte inclusions with or without nephritis or sensorineural hearing loss (MATINS). Also called: DOHLE LEUKOCYTE INCLUSIONS WITH GIANT PLATELETS; MACROTHROMBOCYTOPENIA WITH LEUKOCYTE INCLUSIONS; BLEEDING DISORDER, PLATELET-TYPE, 6; MYH9-Related Disease (MYH9-RD); SEBASTIAN PLATELET SYNDROME; MACROTHROMBOCYTOPENIA WITH DISPERSED LEUKOCYTIC INCLUSIONS. Identifiers: Orphanet 182050, MedGen C5200934, MONDO:0015912, OMIM 155100.

Submission:

MVZ Medizinische Genetik Mainz
Classification: Uncertain significance for Macrothrombocytopenia and granulocyte inclusions with or without nephritis or sensorineural hearing loss. Last evaluated: 2025-09-18. Review status: criteria provided, single submitter. Criteria: UK Practice Guidelines For Variant Classification V4 01 2020. Collection method: clinical testing. Allele origin: germline. Inheritance: Autosomal dominant inheritance. Affected: yes. Observed: 1 variant allele.
Comment: ACMG Criteria: PVS1_MOD,PM2_SUP

NM_002473.6(MYH9):c.4558-2A>C

Gene: MYH9 (myosin heavy chain 9; minus strand). Cytogenetic location: 22q12.3.
Variant type: single nucleotide variant.
Coding change: c.4558-2A>C on transcript NM_002473.6 (MANE Select); the canonical splice acceptor site of the intron before coding-DNA position 4558, A replaced by C.
Molecular consequence: splice acceptor variant.
Genome position (GRCh38, 1-based): chr22:36,288,941, T>G on the plus strand (A>C on the coding strand, the complement: MYH9 is on the minus strand). VCF-style: chr22-36288941-T-G. GRCh37 (hg19) VCF-style: chr22-36684987-T-G.
Identifiers: ClinVar variation 4526547 (VCV004526547.1).